The following is an entry in ClinVar:

ClinVar aggregate classification (germline): Uncertain significance (1 of 4 stars; one submission).

Conditions:
Brugada syndrome. Also called: Sudden Unexplained Death Syndrome; Sudden Unexplained Nocturnal Death Syndrome (SUNDS); Sudden unexplained nocturnal death syndrome; Sudden unexpected nocturnal death syndrome. Identifiers: Orphanet 130, MedGen C1142166, MONDO:0015263.

Submission:

Labcorp Genetics (formerly Invitae), Labcorp
Classification: Uncertain significance for Brugada syndrome. Last evaluated: 2024-11-30. Review status: criteria provided, single submitter. Criteria: Invitae Variant Classification Sherloc (09022015). Collection method: clinical testing. Allele origin: germline.
Comment: This sequence change replaces asparagine, which is neutral and polar, with serine, which is neutral and polar, at codon 120 of the CACNA2D1 protein (p.Asn120Ser). The frequency data for this variant in the population databases is considered unreliable, as metrics indicate poor data quality at this position in the gnomAD database. This variant has not been reported in the literature in individuals affected with CACNA2D1-related conditions. An algorithm developed to predict the effect of missense changes on protein structure and function (PolyPhen-2) suggests that this variant is likely to be disruptive. In summary, the available evidence is currently insufficient to determine the role of this variant in disease. Therefore, it has been classified as a Variant of Uncertain Significance.

NM_000722.4(CACNA2D1):c.359A>G (p.Asn120Ser)

Gene: CACNA2D1 (calcium voltage-gated channel auxiliary subunit alpha2delta 1; minus strand). Cytogenetic location: 7q21.11.
Variant type: single nucleotide variant.
Coding change: c.359A>G on transcript NM_000722.4 (MANE Select); coding-DNA position 359, A replaced by G.
Protein change: p.Asn120Ser; replaces asparagine 120 with serine.
Molecular consequence: missense variant.
Genome position (GRCh38, 1-based): chr7:82,136,672, T>C on the plus strand (A>G on the coding strand, the complement: CACNA2D1 is on the minus strand). VCF-style: chr7-82136672-T-C. GRCh37 (hg19) VCF-style: chr7-81765988-T-C.
Other names: c.359A>G, p.Asn120Ser (NM_001302890.2, NM_001366867.1); short protein forms N120S.
Identifiers: ClinVar variation 3626386 (VCV003626386.2).